The following is an entry in ClinVar:

ClinVar aggregate classification (germline): Likely benign (0 of 4 stars; one submission).

Conditions:
DST-related disorder. Also called: DST-related condition; DST-related disorders.

Allele frequency attached by ClinVar (database versions not stated): gnomAD 0.00001; gnomAD exomes 0.00001; TOPMed 0.00001.
gnomAD v4.1: 5 of 1,610,166 alleles (0.00031%); highest among the groups gnomAD compares: Admixed American, 0.0033%; no homozygotes.

Submission:

PreventionGenetics, part of Exact Sciences
Classification: Likely benign for DST-related condition. Last evaluated: 2023-05-17. Review status: no assertion criteria provided. Collection method: clinical testing. Allele origin: germline.
Comment: This variant is classified as likely benign based on ACMG/AMP sequence variant interpretation guidelines (Richards et al. 2015 PMID: 25741868, with internal and published modifications).

NM_001374736.1(DST):c.11856T>C (p.Asn3952=)

Gene: DST (dystonin; minus strand). Cytogenetic location: 6p12.1.
Variant type: single nucleotide variant.
Coding change: c.11856T>C on transcript NM_001374736.1 (MANE Select); coding-DNA position 11856, T replaced by C.
Protein change: p.Asn3952=; no amino-acid change (asparagine 3952 retained).
Molecular consequence: synonymous variant.
Genome position (GRCh38, 1-based): chr6:56,598,548, A>G on the plus strand (T>C on the coding strand, the complement: DST is on the minus strand). VCF-style: chr6-56598548-A-G. GRCh37 (hg19) VCF-style: chr6-56463346-A-G.
Other names: c.5499T>C, p.Asn1833= (NM_001144769.5); c.5085T>C, p.Asn1695= (NM_001144770.2); c.11856T>C, p.Asn3952= (NM_001374722.1); c.11223T>C, p.Asn3741= (NM_001374729.1); c.4965T>C, p.Asn1655= (NM_001374730.1, NM_001386100.1, NM_183380.4); c.11883T>C, p.Asn3961= (NM_001374734.1); c.3987T>C, p.Asn1329= (NM_015548.5).
Identifiers: ClinVar variation 3034640 (VCV003034640.2), dbSNP rs2098414087, ClinGen allele CA450620541.